The following is an entry in ClinVar:

NM_003998.4(NFKB1):c.1676_1679delinsCTTAC (p.Leu559fs)

Genes: NFKB1 (nuclear factor kappa B subunit 1; plus strand), LOC126807127 (CDK7 strongly-dependent group 2 enhancer GRCh37_chr4:103521788-103522987; plus strand). Cytogenetic location: 4q24.
Variant type: Indel.
Coding change: c.1676_1679delinsCTTAC on transcript NM_003998.4 (MANE Select); coding-DNA positions 1676 to 1679, TTGT replaced by CTTAC.
Protein change: p.Leu559fs; shifts the reading frame from leucine 559.
Molecular consequence: frameshift variant.
Genome position (GRCh38, 1-based): chr4:102,600,933-102,600,936, TTGT replaced by CTTAC. VCF-style: chr4-102600933-TTGT-CTTAC. GRCh37 (hg19) VCF-style: chr4-103522090-TTGT-CTTAC.
Other names: c.1673_1676delinsCTTAC, p.Leu558fs (NM_001165412.2, NM_001319226.2, NM_001382627.1); c.1676_1679delinsCTTAC, p.Leu559fs (NM_001382625.1, NM_001382626.1); c.1634_1637delinsCTTAC, p.Leu545fs (NM_001382628.1); short protein forms L545fs, L558fs, L559fs.
Identifiers: ClinVar variation 3377098 (VCV003377098.1).

ClinVar aggregate classification (germline): Pathogenic (1 of 4 stars; one submission).

Conditions:
Immunodeficiency, common variable, 12 (CVID12). Also called: IMMUNODEFICIENCY, COMMON VARIABLE, 12, WITH AUTOIMMUNITY; NFKB1 DEFICIENCY. Identifiers: Orphanet 1572, Orphanet 696874, MedGen C4225277, MONDO:0014697, OMIM 616576.

Submission:

Victorian Clinical Genetics Services, Murdoch Childrens Research Institute
Classification: Pathogenic for Immunodeficiency, common variable, 12. Last evaluated: 2024-10-08. Review status: criteria provided, single submitter. Criteria: ACMG Guidelines, 2015. Collection method: clinical testing. Allele origin: germline. Inheritance: Autosomal dominant inheritance. Affected: yes.
Comment: Based on the classification scheme VCGS_Germline_v1.3.3, this variant is classified as Pathogenic. Following criteria are met: 0102 - Loss of function is a known mechanism of disease in this gene and is associated with common variable immunodeficiency 12 (MIM# 616576). (I) 0107 - This gene is associated with autosomal dominant disease. (I) 0112 - The condition associated with this gene has incomplete penetrance. Penetrance is estimated to be 60%, with some carriers appearing asymptomatic (PMID: 29477724). (I) 0115 - Variants in this gene are known to have variable expressivity (OMIM). (I) 0201 - Variant is predicted to cause nonsense-mediated decay (NMD) and loss of protein (premature termination codon is located at least 54 nucleotides upstream of the final exon-exon junction). (SP) 0251 - This variant is heterozygous. (I) 0301 - Variant is absent from gnomAD (both v2 and v3). (SP) 0701 - Other NMD-predicted variants comparable to the one identified in this case have very strong previous evidence for pathogenicity. Many NMD-predicted variants have previously been reported as pathogenic (DECIPHER). (SP) 0807 - This variant has no previous evidence of pathogenicity. (I) 0905 - No published segregation evidence has been identified for this variant. (I) 1007 - No published functional evidence has been identified for this variant. (I) 1208 - Inheritance information for this variant is not currently available in this individual. (I) Legend: (SP) - Supporting pathogenic, (I) - Information, (SB) - Supporting benign

Literature cited by the submitters: PubMed 29477724.